The following is an entry in ClinVar:

ClinVar aggregate classification (germline): Uncertain significance (1 of 4 stars; one submission).

Submission:

CeGaT Center for Human Genetics Tuebingen
Classification: Uncertain significance. Last evaluated: 2026-09-01. Review status: criteria provided, single submitter. Criteria: CeGaT Center For Human Genetics Tuebingen Variant Classification Criteria Version 2. Collection method: clinical testing. Allele origin: germline. Affected: yes. Observed: 1 variant allele.
Comment: TTN: PM2, BP4

NM_001267550.2(TTN):c.36794C>T (p.Pro12265Leu)

Gene: TTN (titin; minus strand). Cytogenetic location: 2q31.2.
Variant type: single nucleotide variant.
Coding change: c.36794C>T on transcript NM_001267550.2 (MANE Select); coding-DNA position 36794, C replaced by T.
Protein change: p.Pro12265Leu; replaces proline 12265 with leucine.
Molecular consequence: missense variant. On other transcripts: intron variant (5).
Genome position (GRCh38, 1-based): chr2:178,662,809, G>A on the plus strand (C>T on the coding strand, the complement: TTN is on the minus strand). VCF-style: chr2-178662809-G-A. GRCh37 (hg19) VCF-style: chr2-179527536-G-A.
Other names: c.13283-20492C>T (NM_003319.4); c.13859-20492C>T (NM_133437.4); c.13658-20492C>T (NM_133432.3); c.31573+157C>T (NM_133378.4); c.34354+157C>T (NM_001256850.1); short protein forms P12265L.
Identifiers: ClinVar variation 5040697 (VCV005040697.1).